The following is an entry in ClinVar:

ClinVar aggregate classification (germline): Benign/Likely benign. Review status: criteria provided, multiple submitters, no conflicts (2 of 4 stars). 3 submissions from 3 submitters: Benign (1); Likely benign (2). Last evaluated 2025-01-31.

Conditions:
Hereditary nonpolyposis colorectal neoplasms. Identifiers: MedGen C0009405, MeSH D003123.
Hereditary cancer-predisposing syndrome. Also called: Tumor predisposition; Hereditary Cancer Syndrome; Hereditary neoplastic syndrome; Neoplastic Syndromes, Hereditary. Identifiers: Orphanet 140162, MedGen C0027672, MeSH D009386, MONDO:0015356.
Lynch syndrome 4 (LYNCH4). Also called: Colorectal cancer, hereditary nonpolyposis, type 4; Hereditary non-polyposis colorectal cancer, type 4. Identifiers: Orphanet 144, MedGen C1838333, MONDO:0013699, OMIM 614337. Disease mechanism: loss of function.

Allele frequency attached by ClinVar (database versions not stated): gnomAD 0.00001; TOPMed 0.00001.
gnomAD v4.1: 5 of 1,613,262 alleles (0.00031%); highest among the groups gnomAD compares: Admixed American, 0.0017%; no homozygotes.

Submissions (3):

Myriad Genetics, Inc.
Classification: Benign for Lynch syndrome 4. Last evaluated: 2025-01-31. Review status: criteria provided, single submitter. Criteria: Myriad Autosomal Dominant, Autosomal Recessive and X-Linked Classification Criteria (2023). Collection method: clinical testing. Allele origin: unknown.
Comment: This variant is considered benign. This variant is a silent/synonymous amino acid change and it is not expected to impact splicing.

Labcorp Genetics (formerly Invitae), Labcorp
Classification: Likely benign for Hereditary nonpolyposis colorectal neoplasms. Last evaluated: 2024-04-15. Review status: criteria provided, single submitter. Criteria: Invitae Variant Classification Sherloc (09022015). Collection method: clinical testing. Allele origin: germline.

Ambry Genetics
Classification: Likely benign for Hereditary cancer-predisposing syndrome. Last evaluated: 2017-08-10. Review status: criteria provided, single submitter. Criteria: Ambry Variant Classification Scheme 2023. Collection method: clinical testing. Allele origin: germline.

NM_000535.7(PMS2):c.1617G>T (p.Ala539=)

Gene: PMS2 (PMS1 homolog 2, mismatch repair system component; minus strand). Cytogenetic location: 7p22.1.
Variant type: single nucleotide variant.
Coding change: c.1617G>T on transcript NM_000535.7 (MANE Select); coding-DNA position 1617, G replaced by T.
Protein change: p.Ala539=; no amino-acid change (alanine 539 retained).
Molecular consequence: synonymous variant. On other transcripts: non-coding transcript variant (1).
Genome position (GRCh38, 1-based): chr7:5,987,148, C>A on the plus strand (G>T on the coding strand, the complement: PMS2 is on the minus strand). VCF-style: chr7-5987148-C-A. GRCh37 (hg19) VCF-style: chr7-6026779-C-A.
Other names: c.1212G>T, p.Ala404= (NM_001322003.2, NM_001322004.2, NM_001322005.2 and 1 more transcripts); c.1461G>T, p.Ala487= (NM_001322006.2); c.1299G>T, p.Ala433= (NM_001322007.2, NM_001322008.2); c.1056G>T, p.Ala352= (NM_001322010.2); c.684G>T, p.Ala228= (NM_001322011.2, NM_001322012.2); c.1044G>T, p.Ala348= (NM_001322013.2); c.1617G>T, p.Ala539= (NM_001322014.2); c.1308G>T, p.Ala436= (NM_001322015.2).
Identifiers: ClinVar variation 486057 (VCV000486057.16), dbSNP rs776931237, ClinGen allele CA453746506.